The following is an entry in ClinVar:

ClinVar aggregate classification (germline): Benign. Review status: criteria provided, multiple submitters, no conflicts (2 of 4 stars). 4 submissions from 4 submitters: Benign (4). Last evaluated 2021-07-01.

Conditions:
Cystic fibrosis (CF). Also called: MUCOVISCIDOSIS. Identifiers: Orphanet 586, MedGen C0010674, MONDO:0009061, OMIM 219700. Disease mechanism: loss of function.

Allele frequency attached by ClinVar (database versions not stated): TOPMed 0.21373; gnomAD 0.25573; 1000 Genomes Project 30x 0.19113; 1000 Genomes Project 0.18950.
gnomAD v4.1: 145,694 of 634,536 alleles (23%); highest among the groups gnomAD compares: South Asian, 27%; 18,376 homozygotes.

Submissions (4):

Genome-Nilou Lab
Classification: Benign for Cystic fibrosis. Last evaluated: 2021-07-01. Review status: criteria provided, single submitter. Criteria: ACMG Guidelines, 2015. Collection method: clinical testing. Allele origin: germline. Affected: no.

GeneDx
Classification: Benign. Last evaluated: 2018-06-21. Review status: criteria provided, single submitter. Criteria: GeneDx Variant Classification Process June 2021. Collection method: clinical testing. Allele origin: germline. Affected: yes.

CFTR-France
Classification: Benign for cystic fibrosis. Last evaluated: 2018-01-29. Review status: criteria provided, single submitter. Criteria: Claustres M et al. (Hum Mutat 2017). Collection method: curation. Allele origin: germline. Affected: yes and no.
Comment: the variant does not result in CFTR-RD neither

Breakthrough Genomics
Classification: Benign. Review status: criteria provided, single submitter. Criteria: ACMG Guidelines, 2015. Collection method: not provided. Allele origin: germline. Inheritance: Autosomal recessive inheritance. Affected: yes.

NM_000492.4(CFTR):c.4137-139G>A

Gene: CFTR (CF transmembrane conductance regulator; plus strand). Cytogenetic location: 7q31.2.
Variant type: single nucleotide variant.
Coding change: c.4137-139G>A on transcript NM_000492.4 (MANE Select); 139 bases into the intron before coding-DNA position 4137, G replaced by A.
Molecular consequence: intron variant.
Genome position (GRCh38, 1-based): chr7:117,665,320, G>A. VCF-style: chr7-117665320-G-A. GRCh37 (hg19) VCF-style: chr7-117305374-G-A.
Identifiers: ClinVar variation 818093 (VCV000818093.8), dbSNP rs4727855, ClinGen allele CA164960513.
Genomic context (GRCh38, chr7:117,665,320, plus strand): 5'-CCTGTTTATTTATGGATACTTAGAGTCTACCCCATGGTTGAAAAGCTGATTGTGGCTAAC[G>A]CTATATCAACATTATGTGAAAAGAACTTAAAGAAATAAGTAATTTAAAGAGATAATAGAA-3'